The following is an entry in ClinVar:

NM_022095.4(ZNF335):c.2736_2738del (p.Val914del)

Gene: ZNF335 (zinc finger protein 335; minus strand). Cytogenetic location: 20q13.12.
Variant type: Deletion.
Coding change: c.2736_2738del on transcript NM_022095.4 (MANE Select); coding-DNA positions 2736 to 2738, 3 bases deleted (GGT; older notation c.2736_2738delGGT).
Protein change: p.Val914del; deletes valine 914.
Molecular consequence: inframe deletion.
Genome position (GRCh38, 1-based): chr20:45,952,674-45,952,676, ACC deleted on the plus strand (GGT on the coding strand, the reverse complement: ZNF335 is on the minus strand); deleting any 3 consecutive bases within chr20:45,952,674-45,952,678 gives the same sequence; the c. name uses the placement nearest the transcript's 3' end. VCF-style (leftmost placement, unchanged base first): chr20-45952673-AACC-A. GRCh37 (hg19) VCF-style: chr20-44581312-AACC-A.
Other names: short protein forms V914del.
Identifiers: ClinVar variation 2197924 (VCV002197924.4), dbSNP rs778403982, ClinGen allele CA9885264.
Genomic context (GRCh38, chr20:45,952,673, plus strand): 5'-CTGGGTACCATCAGTAGCCATGATGTAGTGGGTGCCAGCTTCTTTTAGGGTGTCACTCAC[AACC>A]ACAGCCTGGGCTGCCTCTCCTGCGGGCTCCTCGCTGTGGGCATGGAGAAGGTTCTAGGAG-3'

ClinVar aggregate classification (germline): Uncertain significance (1 of 4 stars; one submission).

Submission:

Labcorp Genetics (formerly Invitae), Labcorp
Classification: Uncertain significance. Last evaluated: 2022-07-11. Review status: criteria provided, single submitter. Criteria: Invitae Variant Classification Sherloc (09022015). Collection method: clinical testing. Allele origin: germline.
Comment: In summary, the available evidence is currently insufficient to determine the role of this variant in disease. Therefore, it has been classified as a Variant of Uncertain Significance. Experimental studies and prediction algorithms are not available or were not evaluated, and the functional significance of this variant is currently unknown. This variant has not been reported in the literature in individuals affected with ZNF335-related conditions. This variant is present in population databases (rs778403982, gnomAD 0.004%). This variant, c.2736_2738del, results in the deletion of 1 amino acid(s) of the ZNF335 protein (p.Val914del), but otherwise preserves the integrity of the reading frame.